The following is an entry in ClinVar:

ClinVar aggregate classification (germline): Likely benign (1 of 4 stars; one submission).

gnomAD v4.1: 174 of 1,608,666 alleles (0.011%); highest among the groups gnomAD compares: African/African-American, 0.21%; no homozygotes.

Submission:

Mayo Clinic Laboratories, Mayo Clinic
Classification: Likely benign. Last evaluated: 2025-09-18. Review status: criteria provided, single submitter. Criteria: ACMG Guidelines, 2015. Collection method: clinical testing. Allele origin: germline. Observed: 1 variant allele.
Comment: BS1, BP4

NM_182758.4(WDR72):c.2129G>T (p.Gly710Val)

Gene: WDR72 (WD repeat domain 72; minus strand). Cytogenetic location: 15q21.3.
Variant type: single nucleotide variant.
Coding change: c.2129G>T on transcript NM_182758.4 (MANE Select); coding-DNA position 2129, G replaced by T.
Protein change: p.Gly710Val; replaces glycine 710 with valine.
Molecular consequence: missense variant. On other transcripts: non-coding transcript variant (1).
Genome position (GRCh38, 1-based): chr15:53,616,077, C>A on the plus strand (G>T on the coding strand, the complement: WDR72 is on the minus strand). VCF-style: chr15-53616077-C-A. GRCh37 (hg19) VCF-style: chr15-53908274-C-A.
Other names: p.Gly710Val; short protein forms G710V.
Identifiers: ClinVar variation 4683981 (VCV004683981.1).